The following is an entry in ClinVar:

ClinVar aggregate classification (germline): Uncertain significance (1 of 4 stars; one submission).

Conditions:
AFF4-related disorder. Also called: AFF4-related condition.

gnomAD v4.1: 2 of 1,614,162 alleles (0.00012%); highest among the groups gnomAD compares: South Asian, 0.0011%; no homozygotes.

Submission:

PreventionGenetics, part of Exact Sciences
Classification: Uncertain significance for AFF4-related condition. Last evaluated: 2026-04-19. Review status: criteria provided, single submitter. Criteria: ACMG Guidelines, 2015. Collection method: clinical testing. Allele origin: germline.
Comment: The AFF4 c.548A>G variant is predicted to result in the amino acid substitution p.Lys183Arg. To our knowledge, this variant has not been reported in the literature or in a large population database (gnomAD), indicating this variant is rare. At this time, the clinical significance of this variant is uncertain due to the absence of conclusive functional and genetic evidence.

NM_014423.4(AFF4):c.548A>G (p.Lys183Arg)

Gene: AFF4 (ALF transcription elongation factor 4; minus strand). Cytogenetic location: 5q31.1.
Variant type: single nucleotide variant.
Coding change: c.548A>G on transcript NM_014423.4 (MANE Select); coding-DNA position 548, A replaced by G.
Protein change: p.Lys183Arg; replaces lysine 183 with arginine.
Molecular consequence: missense variant.
Genome position (GRCh38, 1-based): chr5:132,934,517, T>C on the plus strand (A>G on the coding strand, the complement: AFF4 is on the minus strand). VCF-style: chr5-132934517-T-C. GRCh37 (hg19) VCF-style: chr5-132270209-T-C.
Other names: short protein forms K183R.
Identifiers: ClinVar variation 4994180 (VCV004994180.1).